The following is an entry in ClinVar:

ClinVar aggregate classification (germline): Likely benign. Review status: criteria provided, multiple submitters, no conflicts (2 of 4 stars). 2 submissions from 2 submitters: Likely benign (2). Last evaluated 2025-03-31.

Allele frequency attached by ClinVar (database versions not stated): gnomAD exomes below 0.00001; gnomAD 0.00001; TOPMed 0.00001.
gnomAD v4.1: 2 of 1,612,742 alleles (0.00012%); highest among the groups gnomAD compares: Admixed American, 0.0033%; no homozygotes.

Submissions (2):

Labcorp Genetics (formerly Invitae), Labcorp
Classification: Likely benign. Last evaluated: 2025-03-31. Review status: criteria provided, single submitter. Criteria: Invitae Variant Classification Sherloc (09022015). Collection method: clinical testing. Allele origin: germline.

GeneDx
Classification: Likely benign. Last evaluated: 2018-02-15. Review status: criteria provided, single submitter. Criteria: GeneDx Variant Classification (06012015). Collection method: clinical testing. Allele origin: germline. Affected: yes.
Comment: This variant is considered likely benign or benign based on one or more of the following criteria: it is a conservative change, it occurs at a poorly conserved position in the protein, it is predicted to be benign by multiple in silico algorithms, and/or has population frequency not consistent with disease.

NM_001040436.3(YARS2):c.948-20C>T

Gene: YARS2 (tyrosyl-tRNA synthetase 2; minus strand). Cytogenetic location: 12p11.21.
Variant type: single nucleotide variant.
Coding change: c.948-20C>T on transcript NM_001040436.3 (MANE Select); 20 bases into the intron before coding-DNA position 948, C replaced by T.
Molecular consequence: intron variant.
Genome position (GRCh38, 1-based): chr12:32,750,894, G>A on the plus strand (C>T on the coding strand, the complement: YARS2 is on the minus strand). VCF-style: chr12-32750894-G-A. GRCh37 (hg19) VCF-style: chr12-32903828-G-A.
Identifiers: ClinVar variation 515014 (VCV000515014.5), dbSNP rs952078564, ClinGen allele CA235216309.